The following is an entry in ClinVar:

NM_182914.3(SYNE2):c.9284A>G (p.Lys3095Arg)

Gene: SYNE2 (spectrin repeat containing nuclear envelope protein 2; plus strand). Cytogenetic location: 14q23.2.
Variant type: single nucleotide variant.
Coding change: c.9284A>G on transcript NM_182914.3 (MANE Select); coding-DNA position 9284, A replaced by G.
Protein change: p.Lys3095Arg; replaces lysine 3095 with arginine.
Molecular consequence: missense variant.
Genome position (GRCh38, 1-based): chr14:64,053,197, A>G. VCF-style: chr14-64053197-A-G. GRCh37 (hg19) VCF-style: chr14-64519915-A-G.
Other names: c.9284A>G, p.Lys3095Arg (NM_015180.6); short protein forms K3095R.
Identifiers: ClinVar variation 197604 (VCV000197604.11), dbSNP rs771325522, ClinGen allele CA245853.
Genomic context (GRCh38, chr14:64,053,197, plus strand): 5'-GCTCTCCGGAAAGCAGACGGCTCAATGCCCAAATTTTAAGTCAGAGAATTGAGAAAGCCA[A>G]GTGTTTATGTGATGAGATAATAAAGAAATTAAATGAAAATAAGACCTTTGATGACTCATT-3'
Protein context (NP_878918.2, residues 3085-3105): QILSQRIEKA[Lys3095Arg]CLCDEIIKKL

ClinVar aggregate classification (germline): Uncertain significance. Review status: criteria provided, multiple submitters, no conflicts (2 of 4 stars). 3 submissions from 3 submitters: Uncertain significance (3). Last evaluated 2021-07-31.

Conditions:
Emery-Dreifuss muscular dystrophy 5, autosomal dominant (EDMD5). Also called: EMERY-DREIFUSS MUSCULAR DYSTROPHY 5. Identifiers: Orphanet 261, MedGen C2751805, MONDO:0013072, OMIM 612999.

Allele frequency attached by ClinVar (database versions not stated): gnomAD 0.00001; gnomAD exomes 0.00002 and 0.00003; ExAC 0.00003; TOPMed 0.00003.
gnomAD v4.1: 28 of 1,613,908 alleles (0.0017%); highest among the groups gnomAD compares: Non-Finnish European, 0.0022%; no homozygotes.

Submissions (3):

Labcorp Genetics (formerly Invitae), Labcorp
Classification: Uncertain significance for Emery-Dreifuss muscular dystrophy 5, autosomal dominant. Last evaluated: 2021-07-31. Review status: criteria provided, single submitter. Criteria: Invitae Variant Classification Sherloc (09022015). Collection method: clinical testing. Allele origin: germline.
Comment: This sequence change replaces lysine with arginine at codon 3095 of the SYNE2 protein (p.Lys3095Arg). The lysine residue is weakly conserved and there is a small physicochemical difference between lysine and arginine. This variant is present in population databases (rs771325522, ExAC 0.006%). This variant has not been reported in the literature in individuals affected with SYNE2-related conditions. ClinVar contains an entry for this variant (Variation ID: 197604). Algorithms developed to predict the effect of missense changes on protein structure and function (SIFT, PolyPhen-2, Align-GVGD) all suggest that this variant is likely to be tolerated. In summary, the available evidence is currently insufficient to determine the role of this variant in disease. Therefore, it has been classified as a Variant of Uncertain Significance.

Fulgent Genetics
Classification: Uncertain significance for Emery-Dreifuss muscular dystrophy 5, autosomal dominant. Last evaluated: 2018-10-31. Review status: criteria provided, single submitter. Criteria: ACMG Guidelines, 2015. Collection method: clinical testing. Allele origin: unknown.

Eurofins Ntd Llc (ga)
Classification: Uncertain significance. Last evaluated: 2014-12-12. Review status: criteria provided, single submitter. Criteria: EGL Classification Definitions 2015. Collection method: clinical testing. Allele origin: germline. Observed: 1 variant allele, 1 heterozygote.